The following is an entry in ClinVar:

ClinVar aggregate classification (germline): Conflicting classifications of pathogenicity. Review status: criteria provided, conflicting classifications (1 of 4 stars). 3 submissions from 3 submitters: Uncertain significance (1); Likely benign (1). 1 of the submissions does not count toward it. Last evaluated 2025-12-30.

Conditions:
Deficiency of alpha-mannosidase (MANSA). Also called: Mannosidosis, alpha-, types I and II; Alpha-Mannosidosis; LYSOSOMAL ALPHA-D-MANNOSIDASE DEFICIENCY. Identifiers: Orphanet 61, MedGen C0024748, MONDO:0009561, OMIM 248500.

Allele frequency attached by ClinVar (database versions not stated): gnomAD 0.00001 and 0.00005; TOPMed 0.00001; gnomAD exomes 0.00011; ExAC 0.00013.

Submissions (3):

Labcorp Genetics (formerly Invitae), Labcorp
Classification: Likely benign for Deficiency of alpha-mannosidase. Last evaluated: 2025-12-30. Review status: criteria provided, single submitter. Criteria: Invitae Variant Classification Sherloc (09022015). Collection method: clinical testing. Allele origin: germline.

Women's Health and Genetics/Laboratory Corporation of America, LabCorp
Classification: Uncertain significance. Last evaluated: 2020-09-21. Review status: criteria provided, single submitter. Criteria: LabCorp Variant Classification Summary - May 2015. Collection method: clinical testing. Allele origin: germline.
Comment: Variant summary: MAN2B1 c.1893G>T (p.Gln631His) results in a non-conservative amino acid change located in the Glycosyl hydrolase family 38, C-terminal domain (IPR011682) of the encoded protein sequence. Three of five in-silico tools predict a benign effect of the variant on protein function. The variant allele was found at a frequency of 0.00011 in 251456 control chromosomes (gnomAD). This frequency is not higher than expected for a pathogenic variant in MAN2B1 causing Alpha-Mannosidosis (0.00011 vs 0.0016), allowing no conclusion about variant significance. To our knowledge, no occurrence of c.1893G>T in individuals affected with Alpha-Mannosidosis and no experimental evidence demonstrating its impact on protein function have been reported. No clinical diagnostic laboratories have submitted clinical-significance assessments for this variant to ClinVar after 2014. Based on the evidence outlined above, the variant was classified as uncertain significance.

Natera, Inc.
Classification: Uncertain significance for Alpha-mannosidosis. Last evaluated: 2020-02-26. Review status: no assertion criteria provided. Collection method: clinical testing. Allele origin: germline. Not counted in ClinVar's aggregate classification.

NM_000528.4(MAN2B1):c.1893G>T (p.Gln631His)

Gene: MAN2B1 (mannosidase alpha class 2B member 1; minus strand). Cytogenetic location: 19p13.13.
Variant type: single nucleotide variant.
Coding change: c.1893G>T on transcript NM_000528.4 (MANE Select); coding-DNA position 1893, G replaced by T.
Protein change: p.Gln631His; replaces glutamine 631 with histidine.
Molecular consequence: missense variant.
Genome position (GRCh38, 1-based): chr19:12,652,398, C>A on the plus strand (G>T on the coding strand, the complement: MAN2B1 is on the minus strand). VCF-style: chr19-12652398-C-A. GRCh37 (hg19) VCF-style: chr19-12763212-C-A.
Other names: c.1890G>T, p.Gln630His (NM_001173498.2); short protein forms Q630H, Q631H.
Identifiers: ClinVar variation 981069 (VCV000981069.6), dbSNP rs775247526, ClinGen allele CA9226283.
Genomic context (GRCh38, chr19:12,652,398, plus strand): 5'-CTCAGGCCTGGTGATCTTCCCTTACCAGAAGAAGGTCTGGCGAACAGGCAGCAGGAGTTG[C>A]TGATTCATGTTCATAATCTCCATCAACAGCCCTGTGTCAGGATCAAACGTTGCCCGGATG-3'
Protein context (NP_000519.2, residues 621-641): GLLMEIMNMN[Gln631His]QLLLPVRQTF